The following is an entry in ClinVar:

NM_000179.3(MSH6):c.628-7C>T

Gene: MSH6 (mutS homolog 6; plus strand). Cytogenetic location: 2p16.3.
Variant type: single nucleotide variant.
Coding change: c.628-7C>T on transcript NM_000179.3 (MANE Select); 7 bases into the intron before coding-DNA position 628, C replaced by T.
Molecular consequence: intron variant.
Genome position (GRCh38, 1-based): chr2:47,798,604, C>T. VCF-style: chr2-47798604-C-T. GRCh37 (hg19) VCF-style: chr2-48025743-C-T.
Other names: c.-279-7C>T (NM_001281493.2); c.238-7C>T (NM_001281492.2); c.-275-11C>T (NM_001281494.2).
Identifiers: ClinVar variation 385952 (VCV000385952.21), dbSNP rs373129248, ClinGen allele CA073257.

ClinVar aggregate classification (germline): Likely benign. Review status: criteria provided, multiple submitters, no conflicts (2 of 4 stars). 8 submissions from 8 submitters: Likely benign (7). 1 of the submissions does not count toward it. Last evaluated 2025-11-06.

Conditions:
MSH6-related disorder. Also called: MSH6-related condition; MSH6-Related disorders.
Hereditary nonpolyposis colorectal neoplasms. Identifiers: MedGen C0009405, MeSH D003123.
Hereditary cancer-predisposing syndrome. Also called: Hereditary Cancer Syndrome; Hereditary neoplastic syndrome; Neoplastic Syndromes, Hereditary; Tumor predisposition. Identifiers: Orphanet 140162, MedGen C0027672, MeSH D009386, MONDO:0015356.
Lynch syndrome. Identifiers: Orphanet 144, MedGen C4552100, MONDO:0005835. Disease mechanism: loss of function.
Lynch syndrome 5 (LYNCH5). Also called: Hereditary non-polyposis colorectal cancer, type 5; Colorectal cancer, hereditary nonpolyposis, type 5. Identifiers: Orphanet 144, MedGen C1833477, MONDO:0013710, OMIM 614350. Disease mechanism: loss of function.

Allele frequency attached by ClinVar (database versions not stated): TOPMed 0.00004.
gnomAD v4.1: 1 of 1,608,590 alleles (0.000062%); highest among the groups gnomAD compares: African/African-American, 0.0013%; no homozygotes.

Submissions (8):

Labcorp Genetics (formerly Invitae), Labcorp
Classification: Likely benign for Hereditary nonpolyposis colorectal neoplasms. Last evaluated: 2025-11-06. Review status: criteria provided, single submitter. Criteria: Invitae Variant Classification Sherloc (09022015). Collection method: clinical testing. Allele origin: germline.

Quest Diagnostics Nichols Institute San Juan Capistrano
Classification: Likely benign. Last evaluated: 2025-07-28. Review status: criteria provided, single submitter. Criteria: Quest Diagnostics criteria. Collection method: clinical testing. Allele origin: unknown.

Women's Health and Genetics/Laboratory Corporation of America, LabCorp
Classification: Likely benign. Last evaluated: 2025-04-28. Review status: criteria provided, single submitter. Criteria: LabCorp Variant Classification Summary - May 2015. Collection method: clinical testing. Allele origin: germline.

Myriad Genetics, Inc.
Classification: Likely benign for Lynch syndrome 5. Last evaluated: 2024-12-19. Review status: criteria provided, single submitter. Criteria: Myriad Autosomal Dominant, Autosomal Recessive and X-Linked Classification Criteria (2023). Collection method: clinical testing. Allele origin: unknown.
Comment: This variant is considered likely benign. This variant is intronic and is not expected to impact mRNA splicing.

All of Us Research Program, National Institutes of Health
Classification: Likely benign for Lynch syndrome. Last evaluated: 2023-12-18. Review status: criteria provided, single submitter. Criteria: ACMG Guidelines, 2015. Collection method: clinical testing. Allele origin: germline. Inheritance: Autosomal dominant inheritance. Observed: 1 variant allele, 1 heterozygote.
Comment: This study involves interpretation of variants in research participants for the purpose of population health screening. Participant phenotype was not available at the time of variant classification. Additional details can be found in publication PMID: 35346344, PMCID: PMC8962531

Color Diagnostics, LLC DBA Color Health
Classification: Likely benign for Hereditary cancer-predisposing syndrome. Last evaluated: 2020-08-03. Review status: criteria provided, single submitter. Criteria: ACMG Guidelines, 2015. Collection method: clinical testing. Allele origin: germline.

GeneDx
Classification: Likely benign. Last evaluated: 2017-07-04. Review status: criteria provided, single submitter. Criteria: GeneDx Variant Classification (06012015). Collection method: clinical testing. Allele origin: germline. Affected: yes.
Comment: This variant is considered likely benign or benign based on one or more of the following criteria: it is a conservative change, it occurs at a poorly conserved position in the protein, it is predicted to be benign by multiple in silico algorithms, and/or has population frequency not consistent with disease.

PreventionGenetics, part of Exact Sciences
Classification: Likely benign for MSH6-related condition. Last evaluated: 2022-06-27. Review status: no assertion criteria provided. Collection method: clinical testing. Allele origin: germline. Not counted in ClinVar's aggregate classification.
Comment: This variant is classified as likely benign based on ACMG/AMP sequence variant interpretation guidelines (Richards et al. 2015 PMID: 25741868, with internal and published modifications).